The following is an entry in ClinVar:

ClinVar aggregate classification (germline): Uncertain significance. Review status: criteria provided, multiple submitters, no conflicts (2 of 4 stars). 2 submissions from 2 submitters: Uncertain significance (2). Last evaluated 2025-03-12.

Allele frequency attached by ClinVar (database versions not stated): gnomAD 0.00004; ESP Exome Variant Server 0.00008.
gnomAD v4.1: 27 of 1,612,984 alleles (0.0017%); highest among the groups gnomAD compares: Middle Eastern, 0.016%; no homozygotes.

Submissions (2):

Labcorp Genetics (formerly Invitae), Labcorp
Classification: Uncertain significance. Last evaluated: 2025-03-12. Review status: criteria provided, single submitter. Criteria: Invitae Variant Classification Sherloc (09022015). Collection method: clinical testing. Allele origin: germline.
Comment: This sequence change replaces arginine, which is basic and polar, with glutamine, which is neutral and polar, at codon 567 of the MCM5 protein (p.Arg567Gln). This variant is present in population databases (rs373130534, gnomAD 0.01%). This variant has not been reported in the literature in individuals affected with MCM5-related conditions. ClinVar contains an entry for this variant (Variation ID: 1502274). Invitae Evidence Modeling of protein sequence and biophysical properties (such as structural, functional, and spatial information, amino acid conservation, physicochemical variation, residue mobility, and thermodynamic stability) indicates that this missense variant is not expected to disrupt MCM5 protein function with a negative predictive value of 80%. In summary, the available evidence is currently insufficient to determine the role of this variant in disease. Therefore, it has been classified as a Variant of Uncertain Significance.

Ambry Genetics
Classification: Uncertain significance. Last evaluated: 2021-11-05. Review status: criteria provided, single submitter. Criteria: Ambry Variant Classification Scheme 2023. Collection method: clinical testing. Allele origin: germline.

NM_006739.4(MCM5):c.1700G>A (p.Arg567Gln)

Gene: MCM5 (minichromosome maintenance complex component 5; plus strand). Cytogenetic location: 22q12.3.
Variant type: single nucleotide variant.
Coding change: c.1700G>A on transcript NM_006739.4 (MANE Select); coding-DNA position 1700, G replaced by A.
Protein change: p.Arg567Gln; replaces arginine 567 with glutamine.
Molecular consequence: missense variant.
Genome position (GRCh38, 1-based): chr22:35,417,853, G>A. VCF-style: chr22-35417853-G-A. GRCh37 (hg19) VCF-style: chr22-35813846-G-A.
Other names: c.1700G>A (NM_006739.3); short protein forms R567Q.
Identifiers: ClinVar variation 1502274 (VCV001502274.9), dbSNP rs373130534, ClinGen allele CA10205460.